The following is an entry in ClinVar:

NM_017780.4(CHD7):c.2930del (p.Asn977fs)

Gene: CHD7 (chromodomain helicase DNA binding protein 7; plus strand). Cytogenetic location: 8q12.2.
Variant type: Deletion.
Coding change: c.2930del on transcript NM_017780.4 (MANE Select); coding-DNA position 2930, one base deleted (A; older notation c.2930delA).
Protein change: p.Asn977fs; shifts the reading frame from asparagine 977.
Molecular consequence: frameshift variant. On other transcripts: intron variant (1).
Genome position (GRCh38, 1-based): chr8:60,822,118, A deleted; the last of 3 consecutive A bases (chr8:60,822,116-60,822,118); deleting any one gives the same sequence. VCF-style (leftmost placement, unchanged base first): chr8-60822115-TA-T. GRCh37 (hg19) VCF-style: chr8-61734674-TA-T.
Other names: c.1717-40111del (NM_001316690.1); short protein forms N977fs.
Identifiers: ClinVar variation 2009475 (VCV002009475.4), dbSNP rs2487807615, ClinGen allele CA2580078455.

ClinVar aggregate classification (germline): Pathogenic (1 of 4 stars; one submission).

Conditions:
CHARGE syndrome (CHARGE). Also called: Hittner Hirsch Kreh syndrome; CHARGE ASSOCIATION--COLOBOMA, HEART ANOMALY, CHOANAL ATRESIA, RETARDATION, GENITAL AND EAR ANOMALIES; Coloboma, heart anomaly, choanal atresia, retardation, genital and ear anomalies; CHARGE association; Hall-Hittner syndrome. Identifiers: Orphanet 138, MedGen C0265354, MONDO:0008965.

Submission:

Labcorp Genetics (formerly Invitae), Labcorp
Classification: Pathogenic for CHARGE syndrome. Last evaluated: 2022-06-22. Review status: criteria provided, single submitter. Criteria: Invitae Variant Classification Sherloc (09022015). Collection method: clinical testing. Allele origin: germline.
Comment: For these reasons, this variant has been classified as Pathogenic. This variant has not been reported in the literature in individuals affected with CHD7-related conditions. This variant is not present in population databases (gnomAD no frequency). This sequence change creates a premature translational stop signal (p.Asn977Thrfs*15) in the CHD7 gene. It is expected to result in an absent or disrupted protein product. Loss-of-function variants in CHD7 are known to be pathogenic (PMID: 22461308, 25077900).

Literature cited by the submitters: PubMed 22461308; PubMed 25077900.